The following is an entry in ClinVar:

NM_001025603.2(RFX5):c.784C>T (p.Arg262Trp)

Gene: RFX5 (regulatory factor X5; minus strand). Cytogenetic location: 1q21.3.
Variant type: single nucleotide variant.
Coding change: c.784C>T on transcript NM_001025603.2 (MANE Select); coding-DNA position 784, C replaced by T.
Protein change: p.Arg262Trp; replaces arginine 262 with tryptophan.
Molecular consequence: missense variant.
Genome position (GRCh38, 1-based): chr1:151,343,416, G>A on the plus strand (C>T on the coding strand, the complement: RFX5 is on the minus strand). VCF-style: chr1-151343416-G-A. GRCh37 (hg19) VCF-style: chr1-151315892-G-A.
Other names: c.784C>T (NM_000449.3); c.784C>T, p.Arg262Trp (NM_000449.4, NM_001379412.1, NM_001379413.1 and 5 more transcripts); c.664C>T, p.Arg222Trp (NM_001379419.1, NM_001379420.1); short protein forms R222W, R262W.
Identifiers: ClinVar variation 1008509 (VCV001008509.10), dbSNP rs773920954, ClinGen allele CA1089746.

ClinVar aggregate classification (germline): Uncertain significance. Review status: criteria provided, multiple submitters, no conflicts (2 of 4 stars). 2 submissions from 2 submitters: Uncertain significance (2). Last evaluated 2025-10-24.

Conditions:
MHC class II deficiency. Also called: Bare lymphocyte syndrome 2; BLS, TYPE II. Identifiers: Orphanet 572, MedGen C5447452, MONDO:0008855.

Allele frequency attached by ClinVar (database versions not stated): TOPMed 0.00002.

Submissions (2):

Ambry Genetics
Classification: Uncertain significance. Last evaluated: 2025-10-24. Review status: criteria provided, single submitter. Criteria: Ambry Variant Classification Scheme 2023. Collection method: clinical testing. Allele origin: germline.

Labcorp Genetics (formerly Invitae), Labcorp
Classification: Uncertain significance for MHC class II deficiency. Last evaluated: 2025-02-17. Review status: criteria provided, single submitter. Criteria: Invitae Variant Classification Sherloc (09022015). Collection method: clinical testing. Allele origin: germline.
Comment: This sequence change replaces arginine, which is basic and polar, with tryptophan, which is neutral and slightly polar, at codon 262 of the RFX5 protein (p.Arg262Trp). This variant is present in population databases (rs773920954, gnomAD 0.03%). This variant has not been reported in the literature in individuals affected with RFX5-related conditions. ClinVar contains an entry for this variant (Variation ID: 1008509). An algorithm developed to predict the effect of missense changes on protein structure and function (PolyPhen-2) suggests that this variant is likely to be disruptive. In summary, the available evidence is currently insufficient to determine the role of this variant in disease. Therefore, it has been classified as a Variant of Uncertain Significance.